The following is an entry in ClinVar:

ClinVar aggregate classification (germline): Uncertain significance. Review status: criteria provided, multiple submitters, no conflicts (2 of 4 stars). 3 submissions from 3 submitters: Uncertain significance (3). Last evaluated 2025-10-12.

Conditions:
NARS1-related disorder. Also called: NARS1-related condition.

Submissions (3):

PreventionGenetics, part of Exact Sciences
Classification: Uncertain significance for NARS1-related condition. Last evaluated: 2025-10-12. Review status: criteria provided, single submitter. Criteria: ACMG Guidelines, 2015. Collection method: clinical testing. Allele origin: germline.
Comment: The NARS1 c.1538A>G variant is predicted to result in the amino acid substitution p.His513Arg. To our knowledge, this variant has not been reported in the literature or in a large population database (gnomAD), indicating this variant is rare. At this time, the clinical significance of this variant is uncertain due to the absence of conclusive functional and genetic evidence.

Labcorp Genetics (formerly Invitae), Labcorp
Classification: Uncertain significance. Last evaluated: 2025-04-27. Review status: criteria provided, single submitter. Criteria: Invitae Variant Classification Sherloc (09022015). Collection method: clinical testing. Allele origin: germline.
Comment: This sequence change replaces histidine, which is basic and polar, with arginine, which is basic and polar, at codon 513 of the NARS1 protein (p.His513Arg). This variant is not present in population databases (gnomAD no frequency). This variant has not been reported in the literature in individuals affected with NARS1-related conditions. ClinVar contains an entry for this variant (Variation ID: 3572741). An algorithm developed to predict the effect of missense changes on protein structure and function (PolyPhen-2) suggests that this variant is likely to be disruptive. In summary, the available evidence is currently insufficient to determine the role of this variant in disease. Therefore, it has been classified as a Variant of Uncertain Significance.

GeneDx
Classification: Uncertain significance. Last evaluated: 2024-07-08. Review status: criteria provided, single submitter. Criteria: GeneDx Variant Classification Process June 2021. Collection method: clinical testing. Allele origin: germline. Affected: yes.
Comment: Not observed at significant frequency in large population cohorts (gnomAD); In silico analysis supports that this missense variant has a deleterious effect on protein structure/function; Has not been previously published as pathogenic or benign to our knowledge

NM_004539.4(NARS1):c.1538A>G (p.His513Arg)

Gene: NARS1 (asparaginyl-tRNA synthetase 1; minus strand). Cytogenetic location: 18q21.31.
Variant type: single nucleotide variant.
Coding change: c.1538A>G on transcript NM_004539.4 (MANE Select); coding-DNA position 1538, A replaced by G.
Protein change: p.His513Arg; replaces histidine 513 with arginine.
Molecular consequence: missense variant.
Genome position (GRCh38, 1-based): chr18:57,601,761, T>C on the plus strand (A>G on the coding strand, the complement: NARS1 is on the minus strand). VCF-style: chr18-57601761-T-C. GRCh37 (hg19) VCF-style: chr18-55268993-T-C.
Other names: short protein forms H513R.
Identifiers: ClinVar variation 3572741 (VCV003572741.3).